The following is an entry in ClinVar:

NC_000023.10:g.(?_22065148)_(22065349_?)del

Gene: PHEX (phosphate regulating endopeptidase X-linked; plus strand). Cytogenetic location: Xp22.11.
Variant type: Deletion.
Identifiers: ClinVar variation 3245945 (VCV003245945.1).

ClinVar aggregate classification (germline): Pathogenic (1 of 4 stars; one submission).

Submission:

Labcorp Genetics (formerly Invitae), Labcorp
Classification: Pathogenic. Last evaluated: 2023-02-22. Review status: criteria provided, single submitter. Criteria: Invitae Variant Classification Sherloc (09022015). Collection method: clinical testing. Allele origin: unknown.
Comment: For these reasons, this variant has been classified as Pathogenic. This variant is a gross deletion of the genomic region encompassing exon(s) 3 of the PHEX gene. This variant would be expected to be in-frame, preserving the integrity of the reading frame. A similar copy number variant has been observed in individual(s) with PHEX-related conditions (PMID: 21902834; Invitae). This variant disrupts the p.Cys77 amino acid residue in PHEX. Other variant(s) that disrupt this residue have been determined to be pathogenic (PMID: 9097956, 26051471; Invitae). This suggests that this residue is clinically significant, and that variants that disrupt this residue are likely to be disease-causing.

Literature cited by the submitters: PubMed 21902834; PubMed 9097956; PubMed 26051471.